The following is an entry in ClinVar:

ClinVar aggregate classification (germline): Benign. Review status: criteria provided, single submitter (1 of 4 stars). 2 submissions from 2 submitters: Benign (1). 1 of the submissions does not count toward it. Last evaluated 2023-05-17.

Conditions:
SETX-related disorder. Also called: SETX-related condition; SETX-related disorders. Identifiers: MedGen CN239403.
Amyotrophic lateral sclerosis type 4 (ALS4). Also called: NEURONOPATHY, DISTAL HEREDITARY MOTOR, WITH PYRAMIDAL FEATURES; AMYOTROPHIC LATERAL SCLEROSIS 4, JUVENILE. Identifiers: Orphanet 357043, MedGen C1865409, MONDO:0011223, OMIM 602433.
Spinocerebellar ataxia, autosomal recessive, with axonal neuropathy 2 (SCAN2). Also called: Ataxia with Oculomotor Apraxia; Ataxia with Oculomotor Apraxia Type 2; Ataxia-ocular apraxia-2; ATAXIA-OCULOMOTOR APRAXIA 2. Identifiers: Orphanet 64753, MedGen C1853761, MONDO:0018996, OMIM 606002.

Allele frequency attached by ClinVar (database versions not stated): gnomAD exomes below 0.00001; gnomAD 0.00001; ExAC 0.00002.
gnomAD v4.1: 4 of 1,613,810 alleles (0.00025%); highest among the groups gnomAD compares: East Asian, 0.0067%; no homozygotes.

Submissions (2):

Labcorp Genetics (formerly Invitae), Labcorp
Classification: Benign for Amyotrophic lateral sclerosis type 4; Spinocerebellar ataxia, autosomal recessive, with axonal neuropathy 2. Last evaluated: 2023-05-17. Review status: criteria provided, single submitter. Criteria: Invitae Variant Classification Sherloc (09022015). Collection method: clinical testing. Allele origin: germline.

PreventionGenetics, part of Exact Sciences
Classification: Uncertain significance for SETX-related condition. Last evaluated: 2024-08-28. Review status: no assertion criteria provided. Collection method: clinical testing. Allele origin: germline. Not counted in ClinVar's aggregate classification.
Comment: The SETX c.6578C>G variant is predicted to result in the amino acid substitution p.Thr2193Ser. To our knowledge, this variant has not been reported in the literature. This variant is reported in 0.016% of alleles in individuals of East Asian descent in gnomAD. At this time, the clinical significance of this variant is uncertain due to the absence of conclusive functional and genetic evidence.

NM_015046.7(SETX):c.6578C>G (p.Thr2193Ser)

Gene: SETX (senataxin; minus strand). Cytogenetic location: 9q34.13.
Variant type: single nucleotide variant.
Coding change: c.6578C>G on transcript NM_015046.7 (MANE Select); coding-DNA position 6578, C replaced by G.
Protein change: p.Thr2193Ser; replaces threonine 2193 with serine.
Molecular consequence: missense variant.
Genome position (GRCh38, 1-based): chr9:132,281,543, G>C on the plus strand (C>G on the coding strand, the complement: SETX is on the minus strand). VCF-style: chr9-132281543-G-C. GRCh37 (hg19) VCF-style: chr9-135156930-G-C.
Other names: c.6578C>G, p.Thr2193Ser (NM_001351527.2, NM_001351528.2); short protein forms T2193S.
Identifiers: ClinVar variation 2923164 (VCV002923164.4), dbSNP rs781013515, ClinGen allele CA5296668.